The following is an entry in ClinVar:

NM_001377.3(DYNC2H1):c.5955dup (p.Ser1986fs)

Gene: DYNC2H1 (dynein cytoplasmic 2 heavy chain 1; plus strand). Cytogenetic location: 11q22.3.
Variant type: Duplication.
Coding change: c.5955dup on transcript NM_001377.3 (MANE Select); coding-DNA position 5955, one base duplicated (A; older notation c.5955dupA).
Protein change: p.Ser1986fs; shifts the reading frame from serine 1986.
Molecular consequence: frameshift variant.
Genome position (GRCh38, 1-based): chr11:103,177,636, A duplicated; the last of 4 consecutive A bases (chr11:103,177,633-103,177,636); duplicating any one gives the same sequence. VCF-style (leftmost placement, unchanged base first): chr11-103177632-G-GA. GRCh37 (hg19) VCF-style: chr11-103048361-G-GA.
Other names: c.5955dup, p.Ser1986fs (NM_001080463.2); short protein forms S1986fs.
Identifiers: ClinVar variation 5015930 (VCV005015930.1).

ClinVar aggregate classification (germline): Pathogenic (1 of 4 stars; one submission).

Conditions:
Asphyxiating thoracic dystrophy 3. Also called: SHORT-RIB THORACIC DYSPLASIA 3 WITH OR WITHOUT POLYDACTYLY; POLYDACTYLY WITH NEONATAL CHONDRODYSTROPHY, TYPE I; SHORT-RIB THORACIC DYSPLASIA 3/6 WITH POLYDACTYLY, DIGENIC; Short rib polydactyly syndrome 2B; Saldino-Noonan Syndrome. Identifiers: Orphanet 474, Orphanet 93269, Orphanet 93270, Orphanet 93271, MedGen C0036069, MONDO:0013127, OMIM 613091.

Submission:

Myriad Genetics, Inc.
Classification: Pathogenic for Asphyxiating thoracic dystrophy 3. Last evaluated: 2026-05-18. Review status: criteria provided, single submitter. Criteria: Myriad Autosomal Dominant, Autosomal Recessive and X-Linked Classification Criteria (2023). Collection method: clinical testing. Allele origin: unknown.
Comment: NM_001377.2(DYNC2H1):c.5955dupA(S1986Ifs*13) is expected to be pathogenic in the context of DYNC2H1-related disorders. This variant is predicted to lead to an abnormal or absent protein product due to the creation of a premature termination codon in DYNC2H1, a gene where loss-of-function variants are known to be pathogenic. Please note: this variant was assessed in the context of healthy population screening.